The following is an entry in ClinVar:

NM_002470.4(MYH3):c.349-7C>T

Gene: MYH3 (myosin heavy chain 3; minus strand). Cytogenetic location: 17p13.1.
Variant type: single nucleotide variant.
Coding change: c.349-7C>T on transcript NM_002470.4 (MANE Select); 7 bases into the intron before coding-DNA position 349, C replaced by T.
Molecular consequence: intron variant.
Genome position (GRCh38, 1-based): chr17:10,651,675, G>A on the plus strand (C>T on the coding strand, the complement: MYH3 is on the minus strand). VCF-style: chr17-10651675-G-A. GRCh37 (hg19) VCF-style: chr17-10554992-G-A.
Identifiers: ClinVar variation 258683 (VCV000258683.21), dbSNP rs114366800, ClinGen allele CA8393303.

ClinVar aggregate classification (germline): Benign/Likely benign. Review status: criteria provided, multiple submitters, no conflicts (2 of 4 stars). 5 submissions from 4 submitters: Benign (3); Likely benign (1). 1 of the submissions does not count toward it. Last evaluated 2026-02-01.

Conditions:
MYH3-related disorder. Also called: MYH3-related condition; MYH3-Related Disorders. Identifiers: MedGen CN239329.
Freeman-Sheldon syndrome (DA2A). Also called: WHISTLING FACE-WINDMILL VANE HAND SYNDROME; CRANIOCARPOTARSAL DYSPLASIA; CRANIOCARPOTARSAL DYSTROPHY; Arthrogryposis, distal, type 2A (Freeman-Sheldon). Identifiers: Orphanet 2053, MedGen C0265224, MONDO:0008675, OMIM 193700.
Distal arthrogryposis type 2B1 (DA2B1). Also called: Arthrogryposis multiplex congenita distal type II with craniofacial abnormalities. Identifiers: Orphanet 1147, MedGen C5193014, MONDO:0020820, OMIM 601680.

Allele frequency attached by ClinVar (database versions not stated): 1000 Genomes Project 0.01098; gnomAD exomes 0.00121 and 0.00302; ExAC 0.00372; gnomAD 0.01261 and 0.01162; ESP Exome Variant Server 0.01422; 1000 Genomes Project 30x 0.01202; TOPMed 0.01352.
gnomAD v4.1: 3,591 of 1,613,902 alleles (0.22%); highest among the groups gnomAD compares: African/African-American, 4.1%; 70 homozygotes.

Submissions (5):

Labcorp Genetics (formerly Invitae), Labcorp
Classification: Benign. Last evaluated: 2026-02-01. Review status: criteria provided, single submitter. Criteria: Invitae Variant Classification Sherloc (09022015). Collection method: clinical testing. Allele origin: germline.

Illumina Laboratory Services, Illumina
Classification: Benign for Distal arthrogryposis type 2B1. Last evaluated: 2018-01-12. Review status: criteria provided, single submitter. Criteria: ICSL Variant Classification Criteria 13 December 2019. Collection method: clinical testing. Allele origin: germline.
Comment: This variant was observed in the ICSL laboratory as part of a predisposition screen in an ostensibly healthy population. It had not been previously curated by ICSL or reported in the Human Gene Mutation Database (HGMD: prior to June 1st, 2018), and was therefore a candidate for classification through an automated scoring system. Utilizing variant allele frequency, disease prevalence and penetrance estimates, and inheritance mode, an automated score was calculated to assess if this variant is too frequent to cause the disease. Based on the score and internal cut-off values, a variant classified as benign is not then subjected to further curation. The score for this variant resulted in a classification of benign for this disease.

Illumina Laboratory Services, Illumina
Classification: Benign for Freeman-Sheldon syndrome. Last evaluated: 2018-01-12. Review status: criteria provided, single submitter. Criteria: ICSL Variant Classification Criteria 13 December 2019. Collection method: clinical testing. Allele origin: germline.
Comment: the same text as in the submission from Illumina Laboratory Services, Illumina above.

Breakthrough Genomics
Classification: Likely benign. Review status: criteria provided, single submitter. Criteria: ACMG Guidelines, 2015. Collection method: not provided. Allele origin: germline. Inheritance: Autosomal recessive inheritance. Affected: yes.

PreventionGenetics, part of Exact Sciences
Classification: Benign for MYH3-related condition. Last evaluated: 2019-04-25. Review status: no assertion criteria provided. Collection method: clinical testing. Allele origin: germline. Not counted in ClinVar's aggregate classification.
Comment: This variant is classified as benign based on ACMG/AMP sequence variant interpretation guidelines (Richards et al. 2015 PMID: 25741868, with internal and published modifications).